The following is an entry in ClinVar:

ClinVar aggregate classification (germline): Uncertain significance. Review status: criteria provided, multiple submitters, no conflicts (2 of 4 stars). 2 submissions from 2 submitters: Uncertain significance (2). Last evaluated 2026-01-19.

gnomAD v4.1: 5 of 1,614,052 alleles (0.00031%); highest among the groups gnomAD compares: Admixed American, 0.0083%; no homozygotes.

Submissions (2):

Women's Health and Genetics/Laboratory Corporation of America, LabCorp
Classification: Uncertain significance. Last evaluated: 2026-01-19. Review status: criteria provided, single submitter. Criteria: LabCorp Variant Classification Summary - May 2015. Collection method: clinical testing. Allele origin: germline.
Comment: Variant summary: VIPAS39 c.246C>G (p.His82Gln) results in a non-conservative amino acid change in the encoded protein sequence. Algorithms developed to predict the effect of missense changes on protein structure and function are either unavailable or do not agree on the potential impact of this missense change. The variant allele was found at a frequency of 2e-05 in 251482 control chromosomes. The available data on variant occurrences in the general population are insufficient to allow any conclusion about variant significance. To our knowledge, no occurrence of c.246C>G in individuals affected with VIPAS39-related conditions and no experimental evidence demonstrating its impact on protein function have been reported. ClinVar contains an entry for this variant (Variation ID: 2192920). Based on the evidence outlined above, the variant was classified as uncertain significance.

Labcorp Genetics (formerly Invitae), Labcorp
Classification: Uncertain significance. Last evaluated: 2023-10-03. Review status: criteria provided, single submitter. Criteria: Invitae Variant Classification Sherloc (09022015). Collection method: clinical testing. Allele origin: germline.
Comment: This sequence change replaces histidine, which is basic and polar, with glutamine, which is neutral and polar, at codon 82 of the VIPAS39 protein (p.His82Gln). This variant is present in population databases (rs569525220, gnomAD 0.01%). This variant has not been reported in the literature in individuals affected with VIPAS39-related conditions. ClinVar contains an entry for this variant (Variation ID: 2192920). Algorithms developed to predict the effect of missense changes on protein structure and function output the following: SIFT: "Not Available"; PolyPhen-2: "Benign"; Align-GVGD: "Not Available". The glutamine amino acid residue is found in multiple mammalian species, which suggests that this missense change does not adversely affect protein function. In summary, the available evidence is currently insufficient to determine the role of this variant in disease. Therefore, it has been classified as a Variant of Uncertain Significance.

NM_001193315.2(VIPAS39):c.246C>G (p.His82Gln)

Gene: VIPAS39 (VPS33B interacting protein, apical-basolateral polarity regulator, spe-39 homolog; minus strand). Cytogenetic location: 14q24.3.
Variant type: single nucleotide variant.
Coding change: c.246C>G on transcript NM_001193315.2 (MANE Select); coding-DNA position 246, C replaced by G.
Protein change: p.His82Gln; replaces histidine 82 with glutamine.
Molecular consequence: missense variant. On other transcripts: non-coding transcript variant (1), intron variant (4).
Genome position (GRCh38, 1-based): chr14:77,451,284, G>C on the plus strand (C>G on the coding strand, the complement: VIPAS39 is on the minus strand). VCF-style: chr14-77451284-G-C. GRCh37 (hg19) VCF-style: chr14-77917627-G-C.
Other names: c.246C>G, p.His82Gln (NM_001193314.2, NM_001193317.2, NM_001400326.1 and 11 more transcripts); c.197-1532C>G (NM_001400337.1, NM_001193316.2, NM_001400324.1 and 1 more transcripts); short protein forms H82Q.
Identifiers: ClinVar variation 2192920 (VCV002192920.4), dbSNP rs569525220, ClinGen allele CA7288156.